The following is an entry in ClinVar:

NC_012920.1(MT-ND2):m.4764A>G

Gene: MT-ND2 (mitochondrially encoded NADH dehydrogenase 2; plus strand).
Variant type: single nucleotide variant.
Genome position: chrM-4764-A-G.
Identifiers: ClinVar variation 692500 (VCV000692500.1), dbSNP rs1603219609, ClinGen allele CA414775681.
Genomic context (GRCh38, chrMT:4,764, plus strand): 5'-ATACTCTCCGGACAATGAACCATAACCAATACTACCAATCAATACTCATCATTAATAATC[A>G]TAATAGCTATAGCAATAAAACTAGGAATAGCCCCCTTTCACTTCTGAGTCCCAGAGGTTA-3'

ClinVar aggregate classification (germline): Uncertain significance (1 of 4 stars; one submission).

Conditions:
Leigh syndrome (NULS). Also called: Leigh's necrotizing encephalopathy; Leigh's disease; Leigh Syndrome (mtDNA deletion); Leigh Disease; Subacute necrotizing encephalopathy; Necrotizing encephalopathy infantile subacute of Leigh. Identifiers: Orphanet 506, MedGen C2931891, MONDO:0009723, OMIM 256000.

Submission:

Wong Mito Lab, Molecular and Human Genetics, Baylor College of Medicine
Classification: Uncertain significance for Leigh syndrome. Last evaluated: 2019-10-17. Review status: criteria provided, single submitter. Criteria: Modified ACMG Guidelines (Unpublished). Collection method: clinical testing. Allele origin: germline.
Comment: The NC_012920.1:m.4764A>G (YP_003024027.1:p.Met99Val) variant in MTND2 gene is interpretated to be a Uncertain Significance variant based on the modified ACMG guidelines (unpublished). This variant meets the following evidence codes: BP4